The following is an entry in ClinVar:

ClinVar aggregate classification (germline): Pathogenic (1 of 4 stars; one submission).

Submission:

Labcorp Genetics (formerly Invitae), Labcorp
Classification: Pathogenic. Last evaluated: 2025-05-13. Review status: criteria provided, single submitter. Criteria: Invitae Variant Classification Sherloc (09022015). Collection method: clinical testing. Allele origin: germline.
Comment: This sequence change creates a premature translational stop signal (p.Ser72Leufs*3) in the ORC6 gene. It is expected to result in an absent or disrupted protein product. Loss-of-function variants in ORC6 are known to be pathogenic (PMID: 21358632, 25691413). This variant is not present in population databases (gnomAD no frequency). This variant has not been reported in the literature in individuals affected with ORC6-related conditions. For these reasons, this variant has been classified as Pathogenic.

Literature cited by the submitters: PubMed 21358632; PubMed 25691413.

NM_014321.4(ORC6):c.214del (p.Ser72fs)

Gene: ORC6 (origin recognition complex subunit 6; plus strand). Cytogenetic location: 16q11.2.
Variant type: Deletion.
Coding change: c.214del on transcript NM_014321.4 (MANE Select); coding-DNA position 214, one base deleted (T; older notation c.214delT).
Protein change: p.Ser72fs; shifts the reading frame from serine 72.
Molecular consequence: frameshift variant. On other transcripts: non-coding transcript variant (1).
Genome position (GRCh38, 1-based): chr16:46,692,400, T deleted; the last of 3 consecutive T bases (chr16:46,692,398-46,692,400); deleting any one gives the same sequence. VCF-style (leftmost placement, unchanged base first): chr16-46692397-CT-C. GRCh37 (hg19) VCF-style: chr16-46726309-CT-C.
Other names: short protein forms S72fs.
Identifiers: ClinVar variation 4753961 (VCV004753961.1).